The following is an entry in ClinVar:

NM_002691.4(POLD1):c.53C>T (p.Ala18Val)

Gene: POLD1 (DNA polymerase delta 1, catalytic subunit; plus strand). Cytogenetic location: 19q13.33.
Variant type: single nucleotide variant.
Coding change: c.53C>T on transcript NM_002691.4 (MANE Select); coding-DNA position 53, C replaced by T.
Protein change: p.Ala18Val; replaces alanine 18 with valine.
Molecular consequence: missense variant. On other transcripts: non-coding transcript variant (1).
Genome position (GRCh38, 1-based): chr19:50,398,904, C>T. VCF-style: chr19-50398904-C-T. GRCh37 (hg19) VCF-style: chr19-50902161-C-T.
Other names: c.53C>T, p.Ala18Val (NM_001256849.1, NM_001308632.1); c.53C>T (NM_002691.2); short protein forms A18V.
Identifiers: ClinVar variation 2578209 (VCV002578209.2), dbSNP rs2122194740, ClinGen allele CA406970049.

ClinVar aggregate classification (germline): Uncertain significance. Review status: criteria provided, multiple submitters, no conflicts (2 of 4 stars). 2 submissions from 2 submitters: Uncertain significance (2). Last evaluated 2024-09-12.

Conditions:
Hereditary cancer-predisposing syndrome. Also called: Tumor predisposition; Hereditary neoplastic syndrome; Neoplastic Syndromes, Hereditary; Hereditary Cancer Syndrome. Identifiers: Orphanet 140162, MedGen C0027672, MeSH D009386, MONDO:0015356.

Allele frequency attached by ClinVar (database versions not stated): gnomAD exomes below 0.00001.
gnomAD v4.1: 1 of 1,600,628 alleles (0.000062%); highest among the groups gnomAD compares: Non-Finnish European, 0.000085%; no homozygotes.

Submissions (2):

Ambry Genetics
Classification: Uncertain significance for Hereditary cancer-predisposing syndrome. Last evaluated: 2024-09-12. Review status: criteria provided, single submitter. Criteria: Ambry Variant Classification Scheme 2023. Collection method: clinical testing. Allele origin: germline.
Comment: The p.A18V variant (also known as c.53C>T), located in coding exon 1 of the POLD1 gene, results from a C to T substitution at nucleotide position 53. The alanine at codon 18 is replaced by valine, an amino acid with similar properties. This amino acid position is conserved. In addition, this alteration is predicted to be tolerated by in silico analysis. Based on the available evidence, the clinical significance of this variant remains unclear.

GeneDx
Classification: Uncertain significance. Last evaluated: 2023-02-28. Review status: criteria provided, single submitter. Criteria: GeneDx Variant Classification Process June 2021. Collection method: clinical testing. Allele origin: germline. Affected: yes.
Comment: Not observed at significant frequency in large population cohorts (gnomAD); In silico analysis supports that this missense variant does not alter protein structure/function; Has not been previously published as pathogenic or benign to our knowledge